The following is an entry in ClinVar:

ClinVar aggregate classification (germline): Uncertain significance (1 of 4 stars; one submission).

Conditions:
Arrhythmogenic right ventricular dysplasia 9 (ARVD9). Also called: Arrhythmogenic Right Ventricular Dysplasia/Cardiomyopathy 9; ARRHYTHMOGENIC RIGHT VENTRICULAR DYSPLASIA, FAMILIAL, 9. Identifiers: MedGen C1836906, MONDO:0012180, OMIM 609040.

Submission:

Labcorp Genetics (formerly Invitae), Labcorp
Classification: Uncertain significance for Arrhythmogenic right ventricular dysplasia 9. Last evaluated: 2023-05-25. Review status: criteria provided, single submitter. Criteria: Invitae Variant Classification Sherloc (09022015). Collection method: clinical testing. Allele origin: germline.
Comment: Variants that disrupt the consensus splice site are a relatively common cause of aberrant splicing (PMID: 17576681, 9536098). Algorithms developed to predict the effect of sequence changes on RNA splicing suggest that this variant is not likely to affect RNA splicing. In summary, the available evidence is currently insufficient to determine the role of this variant in disease. Therefore, it has been classified as a Variant of Uncertain Significance. This variant has not been reported in the literature in individuals affected with PKP2-related conditions. This variant is not present in population databases (gnomAD no frequency). This sequence change falls in intron 1 of the PKP2 gene. It does not directly change the encoded amino acid sequence of the PKP2 protein. It affects a nucleotide within the consensus splice site.

Literature cited by the submitters: PubMed 17576681; PubMed 9536098.

NM_001005242.3(PKP2):c.224-3C>A

Gene: PKP2 (plakophilin 2; minus strand). Cytogenetic location: 12p11.21.
Variant type: single nucleotide variant.
Coding change: c.224-3C>A on transcript NM_001005242.3 (MANE Select); 3 bases into the intron before coding-DNA position 224, C replaced by A.
Molecular consequence: intron variant.
Genome position (GRCh38, 1-based): chr12:32,879,035, G>T on the plus strand (C>A on the coding strand, the complement: PKP2 is on the minus strand). VCF-style: chr12-32879035-G-T. GRCh37 (hg19) VCF-style: chr12-33031969-G-T.
Other names: c.224-3C>A (NM_001407156.1, NM_001407155.1, NM_004572.4 and 2 more transcripts); c.-104-3C>A (NM_001407160.1, NM_001407159.1, NM_001407158.1 and 1 more transcripts).
Identifiers: ClinVar variation 2720069 (VCV002720069.3), dbSNP rs786204387, ClinGen allele CA2618226830.